The following is an entry in ClinVar:

NM_000492.4(CFTR):c.332del (p.Pro111fs)

Gene: CFTR (CF transmembrane conductance regulator; plus strand). Cytogenetic location: 7q31.2.
Variant type: Deletion.
Coding change: c.332del on transcript NM_000492.4 (MANE Select); coding-DNA position 332, one base deleted (C; older notation c.332delC).
Protein change: p.Pro111fs; shifts the reading frame from proline 111.
Molecular consequence: frameshift variant.
Genome position (GRCh38, 1-based): chr7:117,530,957, C deleted; the last of 3 consecutive C bases (chr7:117,530,955-117,530,957); deleting any one gives the same sequence. VCF-style (leftmost placement, unchanged base first): chr7-117530954-AC-A. GRCh37 (hg19) VCF-style: chr7-117171008-AC-A.
Other names: short protein forms P111fs.
Identifiers: ClinVar variation 1456427 (VCV001456427.8), dbSNP rs2116670123, ClinGen allele CA2573141539.
Genomic context (GRCh38, chr7:117,530,954, plus strand): 5'-TGTAGGAAGTCACCAAAGCAGTACAGCCTCTCTTACTGGGAAGAATCATAGCTTCCTATG[AC>A]CCGGATAACAAGGAGGAACGCTCTATCGCGATTTATCTAGGCATAGGCTTATGCCTTCTC-3'

ClinVar aggregate classification (germline): Pathogenic/Likely pathogenic. Review status: criteria provided, multiple submitters, no conflicts (2 of 4 stars). 2 submissions from 2 submitters: Pathogenic (1); Likely pathogenic (1). Last evaluated 2024-11-20.

Conditions:
Cystic fibrosis (CF). Also called: MUCOVISCIDOSIS. Identifiers: Orphanet 586, MedGen C0010674, MONDO:0009061, OMIM 219700. Disease mechanism: loss of function.

Submissions (2):

Labcorp Genetics (formerly Invitae), Labcorp
Classification: Pathogenic for Cystic fibrosis. Last evaluated: 2024-11-20. Review status: criteria provided, single submitter. Criteria: Invitae Variant Classification Sherloc (09022015). Collection method: clinical testing. Allele origin: germline.
Comment: This sequence change creates a premature translational stop signal (p.Pro111Argfs*13) in the CFTR gene. It is expected to result in an absent or disrupted protein product. Loss-of-function variants in CFTR are known to be pathogenic (PMID: 1695717, 7691345, 9725922). This variant is not present in population databases (gnomAD no frequency). This premature translational stop signal has been observed in individual(s) with CFTR-related conditions (PMID: 35119551). ClinVar contains an entry for this variant (Variation ID: 1456427). For these reasons, this variant has been classified as Pathogenic.

Myriad Genetics, Inc.
Classification: Likely pathogenic for Cystic fibrosis. Last evaluated: 2022-03-09. Review status: criteria provided, single submitter. Criteria: Myriad Women's Health Autosomal Recessive and X-Linked Classification Criteria (2021). Collection method: clinical testing. Allele origin: unknown.
Comment: NM_000492.3(CFTR):c.332delC(P111Rfs*13) is expected to be pathogenic in the context of cystic fibrosis. This variant is predicted to lead to an abnormal or absent protein product due to the creation of a premature termination codon in CFTR, a gene where loss-of-function variants are known to be pathogenic. Please note: this variant was assessed in the context of healthy population screening.

Literature cited by the submitters: PubMed 1695717 (cited by Labcorp Genetics (formerly Invitae), Labcorp); PubMed 7691345 (cited by Labcorp Genetics (formerly Invitae), Labcorp); PubMed 9725922 (cited by Labcorp Genetics (formerly Invitae), Labcorp); PubMed 35119551 (cited by Labcorp Genetics (formerly Invitae), Labcorp).